The following is an entry in ClinVar:

ClinVar aggregate classification (germline): Likely pathogenic (1 of 4 stars; one submission).

Conditions:
Primary hyperoxaluria, type I (HP1). Also called: GLYCOLIC ACIDURIA; HEPATIC AGT DEFICIENCY; Primary hyperoxaluria type 1; OXALOSIS I. Identifiers: Orphanet 416, Orphanet 93598, MedGen C0268164, MONDO:0009823, OMIM 259900. Disease mechanism: loss of function.

Submission:

Myriad Genetics, Inc.
Classification: Likely pathogenic for Primary hyperoxaluria, type I. Last evaluated: 2022-03-31. Review status: criteria provided, single submitter. Criteria: Myriad Women's Health Autosomal Recessive and X-Linked Classification Criteria (2021). Collection method: clinical testing. Allele origin: unknown.
Comment: NM_000030.2(AGXT):c.706A>T(K236*) is expected to be pathogenic in the context of primary hyperoxaluria type 1. This variant is predicted to lead to an abnormal or absent protein product due to the creation of a premature termination codon in AGXT, a gene where loss-of-function variants are known to be pathogenic. Please note: this variant was assessed in the context of healthy population screening.

NM_000030.3(AGXT):c.706A>T (p.Lys236Ter)

Gene: AGXT (alanine--glyoxylate aminotransferase; plus strand). Cytogenetic location: 2q37.3.
Variant type: single nucleotide variant.
Coding change: c.706A>T on transcript NM_000030.3 (MANE Select); coding-DNA position 706, A replaced by T.
Protein change: p.Lys236Ter; replaces lysine 236 with a stop codon.
Molecular consequence: nonsense.
Genome position (GRCh38, 1-based): chr2:240,875,134, A>T. VCF-style: chr2-240875134-A-T. GRCh37 (hg19) VCF-style: chr2-241814551-A-T.
Other names: short protein forms K236*.
Identifiers: ClinVar variation 1725682 (VCV001725682.2), dbSNP rs2528755991, ClinGen allele CA351318041.